The following is an entry in ClinVar:

ClinVar aggregate classification (germline): Uncertain significance (1 of 4 stars; one submission).

Submission:

Labcorp Genetics (formerly Invitae), Labcorp
Classification: Uncertain significance. Last evaluated: 2024-02-16. Review status: criteria provided, single submitter. Criteria: Invitae Variant Classification Sherloc (09022015). Collection method: clinical testing. Allele origin: germline.
Comment: This sequence change replaces arginine, which is basic and polar, with cysteine, which is neutral and slightly polar, at codon 60 of the ITGB4 protein (p.Arg60Cys). This variant is present in population databases (no rsID available, gnomAD 0.004%). This missense change has been observed in individual(s) with clinical features of epidermolysis bullosa with pyloric atresia (PMID: 16473856; Invitae). In at least one individual the data is consistent with being in trans (on the opposite chromosome) from a pathogenic variant. Advanced modeling of protein sequence and biophysical properties (such as structural, functional, and spatial information, amino acid conservation, physicochemical variation, residue mobility, and thermodynamic stability) performed at Invitae indicates that this missense variant is not expected to disrupt ITGB4 protein function with a negative predictive value of 80%. In summary, the available evidence is currently insufficient to determine the role of this variant in disease. Therefore, it has been classified as a Variant of Uncertain Significance.

Literature cited by the submitters: PubMed 16473856.

NM_000213.5(ITGB4):c.178C>T (p.Arg60Cys)

Gene: ITGB4 (integrin subunit beta 4; plus strand). Cytogenetic location: 17q25.1.
Variant type: single nucleotide variant.
Coding change: c.178C>T on transcript NM_000213.5 (MANE Select); coding-DNA position 178, C replaced by T.
Protein change: p.Arg60Cys; replaces arginine 60 with cysteine.
Molecular consequence: missense variant.
Genome position (GRCh38, 1-based): chr17:75,727,419, C>T. VCF-style: chr17-75727419-C-T. GRCh37 (hg19) VCF-style: chr17-73723500-C-T.
Other names: c.178C>T, p.Arg60Cys (NM_001005619.2, NM_001005731.3, NM_001321123.2); short protein forms R60C.
Identifiers: ClinVar variation 2736646 (VCV002736646.3), dbSNP rs550392338, ClinGen allele CA401038245.